The following is an entry in ClinVar:

ClinVar aggregate classification (germline): Uncertain significance (1 of 4 stars; one submission).

Conditions:
Cryopyrin associated periodic syndrome (CAPS). Identifiers: Orphanet 208650, MedGen C2316212, MONDO:0016168.

Allele frequency attached by ClinVar (database versions not stated): gnomAD exomes below 0.00001; TOPMed below 0.00001.
gnomAD v4.1: 2 of 1,614,080 alleles (0.00012%); highest among the groups gnomAD compares: East Asian, 0.0045%; no homozygotes.

Submission:

Labcorp Genetics (formerly Invitae), Labcorp
Classification: Uncertain significance for Cryopyrin associated periodic syndrome. Last evaluated: 2023-04-18. Review status: criteria provided, single submitter. Criteria: Invitae Variant Classification Sherloc (09022015). Collection method: clinical testing. Allele origin: germline.
Comment: In summary, the available evidence is currently insufficient to determine the role of this variant in disease. Therefore, it has been classified as a Variant of Uncertain Significance. Advanced modeling of protein sequence and biophysical properties (such as structural, functional, and spatial information, amino acid conservation, physicochemical variation, residue mobility, and thermodynamic stability) performed at Invitae indicates that this missense variant is expected to disrupt NLRP3 protein function. ClinVar contains an entry for this variant (Variation ID: 2151366). This variant has not been reported in the literature in individuals affected with NLRP3-related conditions. This variant is present in population databases (no rsID available, gnomAD 0.01%). This sequence change replaces glutamic acid, which is acidic and polar, with alanine, which is neutral and non-polar, at codon 427 of the NLRP3 protein (p.Glu427Ala).

NM_001243133.2(NLRP3):c.1274A>C (p.Glu425Ala)

Gene: NLRP3 (NLR family pyrin domain containing 3; plus strand). Cytogenetic location: 1q44.
Variant type: single nucleotide variant.
Coding change: c.1274A>C on transcript NM_001243133.2 (MANE Select); coding-DNA position 1274, A replaced by C.
Protein change: p.Glu425Ala; replaces glutamic acid 425 with alanine.
Molecular consequence: missense variant.
Genome position (GRCh38, 1-based): chr1:247,424,723, A>C. VCF-style: chr1-247424723-A-C. GRCh37 (hg19) VCF-style: chr1-247588025-A-C.
Other names: c.1274A>C, p.Glu425Ala (NM_001079821.3, NM_001127461.3, NM_001127462.3 and 1 more transcripts); c.1280A>C, p.Glu427Ala (NM_004895.5); short protein forms E425A, E427A.
Identifiers: ClinVar variation 2151366 (VCV002151366.4), dbSNP rs1200248311, ClinGen allele CA345556544.